The following is an entry in ClinVar:

ClinVar aggregate classification (germline): Conflicting classifications of pathogenicity. Review status: criteria provided, conflicting classifications (1 of 4 stars). 3 submissions from 3 submitters: Uncertain significance (2); Likely benign (1). Last evaluated 2026-01-27.

Conditions:
Severe combined immunodeficiency due to DNA-PKcs deficiency. Also called: Immunodeficiency 26 with or without neurologic abnormalities; IMMUNODEFICIENCY 26 WITH NEUROLOGIC ABNORMALITIES. Identifiers: Orphanet 317425, MedGen C4014833, MONDO:0014423, OMIM 615966.

Allele frequency attached by ClinVar (database versions not stated): ExAC 0.00011; gnomAD 0.00015 and 0.00016; ESP Exome Variant Server 0.00017; gnomAD exomes 0.00017 and 0.00019; TOPMed 0.00022.
gnomAD v4.1: 278 of 1,596,578 alleles (0.017%); highest among the groups gnomAD compares: Admixed American, 0.067%; no homozygotes.

Submissions (3):

Labcorp Genetics (formerly Invitae), Labcorp
Classification: Likely benign for Severe combined immunodeficiency due to DNA-PKcs deficiency. Last evaluated: 2026-01-27. Review status: criteria provided, single submitter. Criteria: Invitae Variant Classification Sherloc (09022015). Collection method: clinical testing. Allele origin: germline.

Blueprint Genetics
Classification: Uncertain significance. Last evaluated: 2024-11-01. Review status: criteria provided, single submitter. Criteria: ACMG Guidelines, 2015. Collection method: clinical testing. Allele origin: germline.

Center for Genomics, Ann and Robert H. Lurie Children's Hospital of Chicago
Classification: Uncertain significance for Severe combined immunodeficiency due to DNA-PKcs deficiency. Last evaluated: 2021-03-30. Review status: criteria provided, single submitter. Criteria: ACMG Guidelines, 2015. Collection method: clinical testing. Allele origin: germline.
Comment: PRKDC NM_006904.6 exon 42 c.5571-4G>A: This variant has not been reported in the literature and is present in 0.07% (25/33386) of Latino alleles in the Genome Aggregation Database. Evolutionary conservation and computational predictive tools for this variant are limited or unavailable. Although this variant occurs in the splice region, computational prediction tools do not suggest that it may alter splicing. However, further studies are needed to understand its impact. In summary, data on this variant is insufficient for disease classification. Therefore, the clinical significance of this variant is uncertain.

NM_006904.7(PRKDC):c.5572-4G>A

Gene: PRKDC (protein kinase, DNA-activated, catalytic subunit; minus strand). Cytogenetic location: 8q11.21.
Variant type: single nucleotide variant.
Coding change: c.5572-4G>A on transcript NM_006904.7 (MANE Select); 4 bases into the intron before coding-DNA position 5572, G replaced by A.
Molecular consequence: intron variant.
Genome position (GRCh38, 1-based): chr8:47,863,581, C>T on the plus strand (G>A on the coding strand, the complement: PRKDC is on the minus strand). VCF-style: chr8-47863581-C-T. GRCh37 (hg19) VCF-style: chr8-48776142-C-T.
Other names: c.5572-4G>A (NM_001081640.2).
Identifiers: ClinVar variation 625998 (VCV000625998.14), dbSNP rs367584015, ClinGen allele CA4740599.